The following is an entry in ClinVar:

ClinVar aggregate classification (germline): Uncertain significance (1 of 4 stars; one submission).

Conditions:
Cohen syndrome (COH1). Also called: Cutis verticis gyrata, retinitis pigmentosa, and sensorineural deafness; PEPPER SYNDROME. Identifiers: Orphanet 193, MedGen C0265223, MONDO:0008999, OMIM 216550.

Submission:

Center for Precision Genome Editing and Genetic Technologies for Biomedicine, Pirogov Russian National Research Medical University
Classification: Uncertain significance for Cohen syndrome. Last evaluated: 2023-08-03. Review status: criteria provided, single submitter. Criteria: ACMG Guidelines, 2015. Collection method: clinical testing. Allele origin: unknown. Inheritance: Autosomal recessive inheritance. Affected: yes.
Comment: This in-frame variant in the VPS13B gene results in a change in protein-coding length and is not located in a repeat region; therefore, the PM4 criterion applies. This variant has not been detected in control samples or in patients with Cohen syndrome, meeting the PM2 criterion. The phenotype was highly specific for Cohen syndrome, fulfilling the PP4 criterion. Based on the applied ACMG/AMP criteria (PM2, PM4, PP4), this variant is classified as a Variant of Uncertain Significance (VUS) for Cohen syndrome.

NM_152564.5(VPS13B):c.6896_6897delinsAAGACCCAGTTTCA (p.Val2299delinsGluAspProValSer)

Gene: VPS13B (vacuolar protein sorting 13 homolog B; plus strand). Cytogenetic location: 8q22.2.
Variant type: Indel.
Coding change: c.6896_6897delinsAAGACCCAGTTTCA on transcript NM_152564.5 (MANE Select); coding-DNA positions 6896 to 6897, TC replaced by AAGACCCAGTTTCA.
Protein change: p.Val2299delinsGluAspProValSer.
Molecular consequence: inframe indel.
Genome position (GRCh38, 1-based): chr8:99,720,893-99,720,894, TC replaced by AAGACCCAGTTTCA. VCF-style: chr8-99720893-TC-AAGACCCAGTTTCA. GRCh37 (hg19) VCF-style: chr8-100733121-TC-AAGACCCAGTTTCA.
Other names: c.6971_6972delinsAAGACCCAGTTTCA, p.Val2324delinsGluAspProValSer (NM_017890.5); c.6896_6897delTCinsAAGACCCAGTTTCA (NM_152564.5).
Identifiers: ClinVar variation 3770242 (VCV003770242.2).